The following is an entry in ClinVar:

ClinVar aggregate classification (germline): Uncertain significance (1 of 4 stars; one submission).

gnomAD v4.1: 4 of 1,613,914 alleles (0.00025%); highest among the groups gnomAD compares: African/African-American, 0.004%; no homozygotes.

Submission:

GeneDx
Classification: Uncertain significance. Last evaluated: 2025-05-06. Review status: criteria provided, single submitter. Criteria: GeneDx Variant Classification Process June 2021. Collection method: clinical testing. Allele origin: germline. Affected: yes.
Comment: Not observed at significant frequency in large population cohorts (gnomAD); In silico analysis supports that this missense variant has a deleterious effect on protein structure/function; Has not been previously published as pathogenic or benign to our knowledge; This variant is associated with the following publications: (PMID: 34864095)

NM_000135.4(FANCA):c.1510C>A (p.Arg504Ser)

Gene: FANCA (FA complementation group A; minus strand). Cytogenetic location: 16q24.3.
Variant type: single nucleotide variant.
Coding change: c.1510C>A on transcript NM_000135.4 (MANE Select); coding-DNA position 1510, C replaced by A.
Protein change: p.Arg504Ser; replaces arginine 504 with serine.
Molecular consequence: missense variant.
Genome position (GRCh38, 1-based): chr16:89,783,063, G>T on the plus strand (C>A on the coding strand, the complement: FANCA is on the minus strand). VCF-style: chr16-89783063-G-T. GRCh37 (hg19) VCF-style: chr16-89849471-G-T.
Other names: c.1510C>A, p.Arg504Ser (NM_001286167.3); short protein forms R504S.
Identifiers: ClinVar variation 4527594 (VCV004527594.1).